The following is an entry in ClinVar:

ClinVar aggregate classification (germline): Uncertain significance. Review status: criteria provided, multiple submitters, no conflicts (2 of 4 stars). 3 submissions from 3 submitters: Uncertain significance (3). Last evaluated 2025-03-22.

Conditions:
Inborn genetic diseases. Identifiers: MedGen C0950123, MeSH D030342.

Submissions (3):

Ambry Genetics
Classification: Uncertain significance for Inborn genetic diseases. Last evaluated: 2025-03-22. Review status: criteria provided, single submitter. Criteria: Ambry Variant Classification Scheme 2023. Collection method: clinical testing. Allele origin: germline.

Labcorp Genetics (formerly Invitae), Labcorp
Classification: Uncertain significance. Last evaluated: 2024-01-08. Review status: criteria provided, single submitter. Criteria: Invitae Variant Classification Sherloc (09022015). Collection method: clinical testing. Allele origin: germline.
Comment: This sequence change replaces leucine, which is neutral and non-polar, with proline, which is neutral and non-polar, at codon 637 of the CNGA1 protein (p.Leu637Pro). This variant is present in population databases (no rsID available, gnomAD 0.01%). This variant has not been reported in the literature in individuals affected with CNGA1-related conditions. ClinVar contains an entry for this variant (Variation ID: 1915633). An algorithm developed to predict the effect of missense changes on protein structure and function (PolyPhen-2) suggests that this variant is likely to be disruptive. In summary, the available evidence is currently insufficient to determine the role of this variant in disease. Therefore, it has been classified as a Variant of Uncertain Significance.

Blueprint Genetics
Classification: Uncertain significance. Last evaluated: 2017-08-02. Review status: criteria provided, single submitter. Criteria: ACMG Guidelines, 2015. Collection method: clinical testing. Allele origin: germline.

NM_001379270.1(CNGA1):c.1898T>C (p.Leu633Pro)

Genes: CNGA1 (cyclic nucleotide gated channel subunit alpha 1; minus strand), LOC101927157 (uncharacterized LOC101927157; plus strand). Cytogenetic location: 4p12.
Variant type: single nucleotide variant.
Coding change: c.1898T>C on transcript NM_001379270.1 (MANE Select); coding-DNA position 1898, T replaced by C.
Protein change: p.Leu633Pro; replaces leucine 633 with proline.
Molecular consequence: missense variant.
Genome position (GRCh38, 1-based): chr4:47,936,584, A>G on the plus strand (T>C on the coding strand, the complement: CNGA1 is on the minus strand). VCF-style: chr4-47936584-A-G. GRCh37 (hg19) VCF-style: chr4-47938601-A-G.
Other names: c.1898T>C, p.Leu633Pro (NM_000087.5, NM_001142564.2); c.1910T>C (NM_000087.3); short protein forms L633P.
Identifiers: ClinVar variation 1915633 (VCV001915633.7), dbSNP rs756433866, ClinGen allele CA356823227.
Genomic context (GRCh38, chr4:47,936,584, plus strand): 5'-TGTTTCAGTTTCTGCTGCATGGACTCATACTCAGCCAAGATTCGGGCAAACCTGGTTTGC[A>G]GGAGGTCTACTGACCCCTCCATTCGAGTAACCTTCTCTTCAAGATCTTTAGGATCACTGC-3'
Protein context (NP_001366199.1, residues 623-643): VTRMEGSVDL[Leu633Pro]QTRFARILAE